The following is an entry in ClinVar:

ClinVar aggregate classification (germline): Likely pathogenic. Review status: criteria provided, single submitter (1 of 4 stars). 2 submissions from 2 submitters: Likely pathogenic (1). 1 of the submissions does not count toward it. Last evaluated 2024-04-26.

Conditions:
Mitochondrial DNA depletion syndrome 20 (mngie type). Also called: MITOCHONDRIAL NEUROGASTROINTESTINAL ENCEPHALOMYOPATHY SYNDROME, LIG3-RELATED. Identifiers: MedGen C5676934, MONDO:0030696, OMIM 619780.

Allele frequency attached by ClinVar (database versions not stated): ExAC 0.00001; gnomAD 0.00002; gnomAD exomes 0.00002; TOPMed 0.00002.
gnomAD v4.1: 78 of 1,613,944 alleles (0.0048%); highest among the groups gnomAD compares: Non-Finnish European, 0.0065%; no homozygotes.

Submissions (2):

GeneDx
Classification: Likely pathogenic. Last evaluated: 2024-04-26. Review status: criteria provided, single submitter. Criteria: GeneDx Variant Classification Process June 2021. Collection method: clinical testing. Allele origin: germline. Affected: yes.
Comment: Nonsense variant predicted to result in protein truncation or nonsense mediated decay in a gene or region of a gene for which loss of function is not a well-established mechanism of disease; This variant is associated with the following publications: (PMID: 33855352)

OMIM
Classification: Pathogenic for MITOCHONDRIAL DNA DEPLETION SYNDROME 20 (MNGIE TYPE). Last evaluated: 2022-03-14. Review status: no assertion criteria provided. Collection method: literature only. Allele origin: germline. Not counted in ClinVar's aggregate classification.

Literature cited by the submitters: PubMed 33855352 (cited by OMIM).

NM_013975.4(LIG3):c.799C>T (p.Arg267Ter)

Gene: LIG3 (DNA ligase 3; plus strand). Cytogenetic location: 17q12.
Variant type: single nucleotide variant.
Coding change: c.799C>T on transcript NM_013975.4 (MANE Select); coding-DNA position 799, C replaced by T.
Protein change: p.Arg267Ter; replaces arginine 267 with a stop codon.
Molecular consequence: nonsense.
Genome position (GRCh38, 1-based): chr17:34,989,573, C>T. VCF-style: chr17-34989573-C-T. GRCh37 (hg19) VCF-style: chr17-33316592-C-T.
Other names: LIG3, ARG267TER (rs566713386); R267*; c.799C>T, p.Arg267Ter (NM_002311.5); c.799C>T (NM_013975.3).
Identifiers: ClinVar variation 1343938 (VCV001343938.2), dbSNP rs566713386, ClinGen allele CA8498175.
Genomic context (GRCh38, chr17:34,989,573, plus strand): 5'-AGAAGTCTGTCTTCAAGCAAATGTGACCCCAGGCATAAGGACTGTCTGCTACGGGAGTTT[C>T]GAAAGTTATGCGCCATGGTGGCCGATAATCCTAGCTACAACACGAAGACCCAGATCATCC-3'